The following is an entry in ClinVar:

NM_004064.5(CDKN1B):c.476A>G (p.Asp159Gly)

Gene: CDKN1B (cyclin dependent kinase inhibitor 1B; plus strand). Cytogenetic location: 12p13.1.
Variant type: single nucleotide variant.
Coding change: c.476A>G on transcript NM_004064.5 (MANE Select); coding-DNA position 476, A replaced by G.
Protein change: p.Asp159Gly; replaces aspartic acid 159 with glycine.
Molecular consequence: missense variant.
Genome position (GRCh38, 1-based): chr12:12,718,825, A>G. VCF-style: chr12-12718825-A-G. GRCh37 (hg19) VCF-style: chr12-12871759-A-G.
Other names: short protein forms D159G.
Identifiers: ClinVar variation 825156 (VCV000825156.21), dbSNP rs893650334, ClinGen allele CA233061552.

ClinVar aggregate classification (germline): Uncertain significance. Review status: criteria provided, multiple submitters, no conflicts (2 of 4 stars). 7 submissions from 6 submitters: Uncertain significance (7). Last evaluated 2026-01-20.

Conditions:
Hereditary cancer-predisposing syndrome. Also called: Neoplastic Syndromes, Hereditary; Hereditary Cancer Syndrome; Hereditary neoplastic syndrome; Tumor predisposition. Identifiers: Orphanet 140162, MedGen C0027672, MeSH D009386, MONDO:0015356.
Multiple endocrine neoplasia type 4. Also called: MULTIPLE ENDOCRINE NEOPLASIA, TYPE IV. Identifiers: Orphanet 276152, MedGen C1970712, MONDO:0012552, OMIM 610755.

Allele frequency attached by ClinVar (database versions not stated): gnomAD exomes 0.00001; gnomAD 0.00005; TOPMed 0.00005.
gnomAD v4.1: 19 of 1,613,948 alleles (0.0012%); highest among the groups gnomAD compares: Admixed American, 0.01%; no homozygotes.

Submissions (7):

Labcorp Genetics (formerly Invitae), Labcorp
Classification: Uncertain significance for Multiple endocrine neoplasia type 4. Last evaluated: 2026-01-20. Review status: criteria provided, single submitter. Criteria: Invitae Variant Classification Sherloc (09022015). Collection method: clinical testing. Allele origin: germline.
Comment: This sequence change replaces aspartic acid, which is acidic and polar, with glycine, which is neutral and non-polar, at codon 159 of the CDKN1B protein (p.Asp159Gly). This variant is present in population databases (no rsID available, gnomAD 0.003%). This variant has not been reported in the literature in individuals affected with CDKN1B-related conditions. ClinVar contains an entry for this variant (Variation ID: 825156). An algorithm developed to predict the effect of missense changes on protein structure and function (PolyPhen-2) suggests that this variant is likely to be tolerated. In summary, the available evidence is currently insufficient to determine the role of this variant in disease. Therefore, it has been classified as a Variant of Uncertain Significance.

Quest Diagnostics Nichols Institute San Juan Capistrano
Classification: Uncertain significance. Last evaluated: 2025-09-07. Review status: criteria provided, single submitter. Criteria: Quest Diagnostics criteria. Collection method: clinical testing. Allele origin: unknown.
Comment: The CDKN1B c.476A>G (p.Asp159Gly) variant has been reported in the published literature in an individual affected with a pituitary adenoma (PMID: 38288531 (2024)). The frequency of this variant in the general population (Genome Aggregation Database) is uninformative in the assessment of its pathogenicity. Analysis of this variant using bioinformatics tools for the prediction of the effect of amino acid changes on protein structure and function yielded predictions that this variant is damaging. Based on the available information, we are unable to determine the clinical significance of this variant.

Ambry Genetics
Classification: Uncertain significance for Hereditary cancer-predisposing syndrome. Last evaluated: 2025-01-03. Review status: criteria provided, single submitter. Criteria: Ambry Variant Classification Scheme 2023. Collection method: clinical testing. Allele origin: germline.
Comment: The p.D159G variant (also known as c.476A>G) is located in coding exon 2 of the CDKN1B gene. The aspartic acid at codon 159 is replaced by glycine, an amino acid with similar properties. This change occurs in the first base pair of coding exon 2. This amino acid position is highly conserved in available vertebrate species. In addition, the in silico prediction for this alteration is inconclusive. Based on the available evidence, the clinical significance of this variant remains unclear.

Fulgent Genetics
Classification: Uncertain significance for Multiple endocrine neoplasia type 4. Last evaluated: 2024-05-01. Review status: criteria provided, single submitter. Criteria: ACMG Guidelines, 2015. Collection method: clinical testing. Allele origin: germline.

GeneDx
Classification: Uncertain significance. Last evaluated: 2024-03-21. Review status: criteria provided, single submitter. Criteria: GeneDx Variant Classification Process June 2021. Collection method: clinical testing. Allele origin: germline. Affected: yes.
Comment: Not observed at significant frequency in large population cohorts (gnomAD); In silico analysis supports that this missense variant has a deleterious effect on protein structure/function; This variant is associated with the following publications: (PMID: 38288531)

Baylor Genetics
Classification: Uncertain significance for Multiple endocrine neoplasia type 4. Last evaluated: 2024-02-12. Review status: criteria provided, single submitter. Criteria: ACMG Guidelines, 2015. Collection method: clinical testing. Allele origin: unknown.

Baylor Genetics
Classification: Uncertain significance for Multiple endocrine neoplasia type 4. Last evaluated: 2021-10-26. Review status: criteria provided, single submitter. Criteria: ACMG Guidelines, 2015. Collection method: clinical testing. Allele origin: maternal. Affected: yes. Study: CSER-TexasKidsCanSeq.
Comment: This variant was determined to be of uncertain significance according to ACMG Guidelines, 2015 [PMID:25741868].

Literature cited by the submitters: PubMed 38288531 (cited by Quest Diagnostics Nichols Institute San Juan Capistrano).